The following is an entry in ClinVar:

NM_001127178.3(PIGG):c.2872G>T (p.Glu958Ter)

Gene: PIGG (phosphatidylinositol glycan anchor biosynthesis class G; plus strand). Cytogenetic location: 4p16.3.
Variant type: single nucleotide variant.
Coding change: c.2872G>T on transcript NM_001127178.3 (MANE Select); coding-DNA position 2872, G replaced by T.
Protein change: p.Glu958Ter; replaces glutamic acid 958 with a stop codon.
Molecular consequence: nonsense. On other transcripts: non-coding transcript variant (10).
Genome position (GRCh38, 1-based): chr4:539,289, G>T. VCF-style: chr4-539289-G-T. GRCh37 (hg19) VCF-style: chr4-533078-G-T.
Other names: c.2605G>T, p.Glu869Ter (NM_001289051.2, NM_001345986.2); c.2473G>T, p.Glu825Ter (NM_001289052.2); c.2581G>T, p.Glu861Ter (NM_001345987.2); c.1843G>T, p.Glu615Ter (NM_001345988.2); c.1339G>T, p.Glu447Ter (NM_001345990.2, NM_001345991.2); c.1774G>T, p.Glu592Ter (NM_001345994.2); c.2848G>T, p.Glu950Ter (NM_017733.5); short protein forms E447*, E592*, E825*, E950*, E958*, E615*, E861*, E869*.
Identifiers: ClinVar variation 1033708 (VCV001033708.1), dbSNP rs775379047, ClinGen allele CA355914683.

ClinVar aggregate classification (germline): Pathogenic (1 of 4 stars; one submission).

Conditions:
Intellectual disability, autosomal recessive 53 (NEDHSCA). Also called: GLYCOSYLPHOSPHATIDYLINOSITOL BIOSYNTHESIS DEFECT 13; Mental retardation, autosomal recessive 53; NEURODEVELOPMENTAL DISORDER WITH OR WITHOUT HYPOTONIA, SEIZURES, AND CEREBELLAR ATROPHY. Identifiers: Orphanet 488635, MedGen C4310794, MONDO:0014832, OMIM 616917.

gnomAD v4.1: 1 of 1,613,574 alleles (0.000062%); highest among the groups gnomAD compares: Admixed American, 0.0017%; no homozygotes.

Submission:

Baylor Genetics
Classification: Pathogenic for Intellectual disability, autosomal recessive 53. Last evaluated: 2018-02-28. Review status: criteria provided, single submitter. Criteria: ACMG Guidelines, 2015. Collection method: clinical testing. Allele origin: paternal. Affected: yes.
Comment: This variant was determined to be pathogenic according to ACMG Guidelines, 2015 [PMID:25741868].